The following is an entry in ClinVar:

ClinVar aggregate classification (germline): Likely pathogenic (1 of 4 stars; one submission).

Conditions:
Hereditary spastic paraplegia 30. Identifiers: Orphanet 101010, MedGen C5235139, MONDO:0012476.

Submission:

3billion
Classification: Likely pathogenic for Spastic paraplegia 30A, autosomal dominant. Last evaluated: 2023-02-23. Review status: criteria provided, single submitter. Criteria: ACMG Guidelines, 2015. Collection method: clinical testing. Allele origin: unknown. Affected: yes.
Comment: The variant is not observed in the gnomAD v2.1.1 dataset. Predicted Consequence/Location: The variant is located in a mutational hot spot and/or well-established functional domain in which established pathogenic variants have been reported (PMID: 31488895). Missense changes are a common disease-causing mechanism. In silico tool predictions suggest damaging effect of the variant on gene or gene product (REVEL: 0.80; 3Cnet: 0.88). Therefore, this variant is classified as Likely pathogenic according to the recommendation of ACMG/AMP guideline.

Literature cited by the submitters: PubMed 31488895.

NM_001244008.2(KIF1A):c.630G>A (p.Met210Ile)

Gene: KIF1A (kinesin family member 1A; minus strand). Cytogenetic location: 2q37.3.
Variant type: single nucleotide variant.
Coding change: c.630G>A on transcript NM_001244008.2 (MANE Select); coding-DNA position 630, G replaced by A.
Protein change: p.Met210Ile; replaces methionine 210 with isoleucine.
Molecular consequence: missense variant.
Genome position (GRCh38, 1-based): chr2:240,785,079, C>T on the plus strand (G>A on the coding strand, the complement: KIF1A is on the minus strand). VCF-style: chr2-240785079-C-T. GRCh37 (hg19) VCF-style: chr2-241724496-C-T.
Other names: c.630G>A, p.Met210Ile (NM_001320705.2, NM_001330289.2, NM_001330290.2 and 21 more transcripts); short protein forms M210I.
Identifiers: ClinVar variation 2444114 (VCV002444114.1), dbSNP rs2538309429, ClinGen allele CA351304903.
Genomic context (GRCh38, chr2:240,785,079, plus strand): 5'-ATGGCGCTTCTGGGTGAAGATGATGTTGAAGACGGCGTGGGAGCGACTGCTGGTCTCATT[C>T]ATGTTGGTGGCCGCCACGGTCCTGAGGAGCAGAAAGCCACGCACGGTTACCCCTCGTCCT-3'
Protein context (NP_001230937.1, residues 200-220): NKARTVAATN[Met210Ile]NETSSRSHAV